The following is an entry in ClinVar:

ClinVar aggregate classification (germline): Uncertain significance. Review status: criteria provided, multiple submitters, no conflicts (2 of 4 stars). 2 submissions from 2 submitters: Uncertain significance (2). Last evaluated 2019-05-28.

Conditions:
Tuberous sclerosis 1 (TSC1). Identifiers: Orphanet 805, MedGen C1854465, MONDO:0008612, OMIM 191100.

Allele frequency attached by ClinVar (database versions not stated): gnomAD exomes 0.00001; gnomAD 0.00013 and 0.00011; TOPMed 0.00009.
gnomAD v4.1: 21 of 398,606 alleles (0.0053%); highest among the groups gnomAD compares: African/African-American, 0.025%; no homozygotes.

Submissions (2):

Mendelics
Classification: Uncertain significance for Tuberous sclerosis 1. Last evaluated: 2019-05-28. Review status: criteria provided, single submitter. Criteria: Mendelics Assertion Criteria 2017. Collection method: clinical testing. Allele origin: unknown.

GeneDx
Classification: Uncertain significance. Last evaluated: 2014-10-27. Review status: criteria provided, single submitter. Criteria: GeneDx Variant Classification (06012015). Collection method: clinical testing. Allele origin: germline. Affected: yes.
Comment: c.-144 G>A in exon 1 of the TSC1 gene (NM_000368.4). The c.-144 G>A variant has not been published as a mutation, nor has it been reported as a benign polymorphism to our knowledge. Data from control individuals were not available to assess whether c.-144 G>A may be a common benign variant in the general population. Several in-silico splice prediction models predict that c.-144 G>A damages the natural splice donor site and creates a strong cryptic donor site, which may supplant the natural donor site, leading to abnormal gene splicing. However, in the absence of RNA/functional studies, the actual effect of this sequence change is unknown. Therefore, based on the currently available information, it is unclear whether this variant is a pathogenic mutation or a rare benign variant. The variant is found in EPILEPSY panel(s).

NM_000368.5(TSC1):c.-144G>A

Gene: TSC1 (TSC complex subunit 1; minus strand). Cytogenetic location: 9q34.13.
Variant type: single nucleotide variant.
Coding change: c.-144G>A on transcript NM_000368.5 (MANE Select); 144 bases upstream of the start codon, G replaced by A.
Molecular consequence: 5 prime UTR variant.
Genome position (GRCh38, 1-based): chr9:132,944,543, C>T on the plus strand (G>A on the coding strand, the complement: TSC1 is on the minus strand). VCF-style: chr9-132944543-C-T. GRCh37 (hg19) VCF-style: chr9-135819930-C-T.
Other names: c.-144G>A (NM_001162426.2, NM_001162427.2); c.-403G>A (NM_001362177.2).
Identifiers: ClinVar variation 207649 (VCV000207649.3), dbSNP rs796053468, ClinGen allele CA319333.